The following is an entry in ClinVar:

NM_000535.7(PMS2):c.256A>C (p.Lys86Gln)

Gene: PMS2 (PMS1 homolog 2, mismatch repair system component; minus strand). Cytogenetic location: 7p22.1.
Variant type: single nucleotide variant.
Coding change: c.256A>C on transcript NM_000535.7 (MANE Select); coding-DNA position 256, A replaced by C.
Protein change: p.Lys86Gln; replaces lysine 86 with glutamine.
Molecular consequence: missense variant. On other transcripts: 5 prime UTR variant (9), non-coding transcript variant (1), intron variant (2).
Genome position (GRCh38, 1-based): chr7:6,003,787, T>G on the plus strand (A>C on the coding strand, the complement: PMS2 is on the minus strand). VCF-style: chr7-6003787-T-G. GRCh37 (hg19) VCF-style: chr7-6043418-T-G.
Other names: c.-150A>C (NM_001322003.2, NM_001322004.2, NM_001322005.2 and 3 more transcripts); c.256A>C, p.Lys86Gln (NM_001322006.2, NM_001322014.2); c.-629A>C (NM_001322011.2, NM_001322012.2); c.-229A>C (NM_001322015.2); c.35+185A>C (NM_001322008.2, NM_001322007.2); short protein forms K86Q.
Identifiers: ClinVar variation 220668 (VCV000220668.12), dbSNP rs544441867, ClinGen allele CA348997.

ClinVar aggregate classification (germline): Uncertain significance. Review status: criteria provided, multiple submitters, no conflicts (2 of 4 stars). 3 submissions from 3 submitters: Uncertain significance (3). Last evaluated 2026-04-06.

Conditions:
Hereditary cancer-predisposing syndrome. Also called: Neoplastic Syndromes, Hereditary; Hereditary Cancer Syndrome; Tumor predisposition; Hereditary neoplastic syndrome. Identifiers: Orphanet 140162, MedGen C0027672, MeSH D009386, MONDO:0015356.
Lynch syndrome 4 (LYNCH4). Also called: Hereditary non-polyposis colorectal cancer, type 4; Colorectal cancer, hereditary nonpolyposis, type 4. Identifiers: Orphanet 144, MedGen C1838333, MONDO:0013699, OMIM 614337. Disease mechanism: loss of function.
Hereditary nonpolyposis colorectal neoplasms. Identifiers: MedGen C0009405, MeSH D003123.

Allele frequency attached by ClinVar (database versions not stated): gnomAD 0.00001; 1000 Genomes Project 30x 0.00016; 1000 Genomes Project 0.00020; gnomAD exomes below 0.00001.

Submissions (3):

Ambry Genetics
Classification: Uncertain significance for Hereditary cancer-predisposing syndrome. Last evaluated: 2026-04-06. Review status: criteria provided, single submitter. Criteria: Ambry Variant Classification Scheme 2023. Collection method: clinical testing. Allele origin: germline.
Comment: The p.K86Q variant (also known as c.256A>C), located in coding exon 4 of the PMS2 gene, results from an A to C substitution at nucleotide position 256. The lysine at codon 86 is replaced by glutamine, an amino acid with similar properties. This amino acid position is conserved. In addition, this alteration is predicted to be deleterious by in silico analysis. Based on the available evidence, the clinical significance of this variant remains unclear.

Baylor Genetics
Classification: Uncertain significance for Lynch syndrome 4. Last evaluated: 2023-06-04. Review status: criteria provided, single submitter. Criteria: ACMG Guidelines, 2015. Collection method: clinical testing. Allele origin: unknown.

Labcorp Genetics (formerly Invitae), Labcorp
Classification: Uncertain significance for Hereditary nonpolyposis colorectal neoplasms. Last evaluated: 2022-12-15. Review status: criteria provided, single submitter. Criteria: Invitae Variant Classification Sherloc (09022015). Collection method: clinical testing. Allele origin: germline.
Comment: In summary, the available evidence is currently insufficient to determine the role of this variant in disease. Therefore, it has been classified as a Variant of Uncertain Significance. Advanced modeling of protein sequence and biophysical properties (such as structural, functional, and spatial information, amino acid conservation, physicochemical variation, residue mobility, and thermodynamic stability) performed at Invitae indicates that this missense variant is expected to disrupt PMS2 protein function. ClinVar contains an entry for this variant (Variation ID: 220668). This variant has not been reported in the literature in individuals affected with PMS2-related conditions. This variant is not present in population databases (gnomAD no frequency). This sequence change replaces lysine, which is basic and polar, with glutamine, which is neutral and polar, at codon 86 of the PMS2 protein (p.Lys86Gln).